The following is an entry in ClinVar:

NM_018838.5(NDUFA12):c.40A>C (p.Ile14Leu)

Gene: NDUFA12 (NADH:ubiquinone oxidoreductase subunit A12; minus strand). Cytogenetic location: 12q22.
Variant type: single nucleotide variant.
Coding change: c.40A>C on transcript NM_018838.5 (MANE Select); coding-DNA position 40, A replaced by C.
Protein change: p.Ile14Leu; replaces isoleucine 14 with leucine.
Molecular consequence: missense variant.
Genome position (GRCh38, 1-based): chr12:95,003,641, T>G on the plus strand (A>C on the coding strand, the complement: NDUFA12 is on the minus strand). VCF-style: chr12-95003641-T-G. GRCh37 (hg19) VCF-style: chr12-95397417-T-G.
Other names: c.40A>C, p.Ile14Leu (NM_001258338.2); short protein forms I14L.
Identifiers: ClinVar variation 2187499 (VCV002187499.4), dbSNP rs766620870, ClinGen allele CA6722658.

ClinVar aggregate classification (germline): Uncertain significance (1 of 4 stars; one submission).

Submission:

Labcorp Genetics (formerly Invitae), Labcorp
Classification: Uncertain significance. Last evaluated: 2022-04-07. Review status: criteria provided, single submitter. Criteria: Invitae Variant Classification Sherloc (09022015). Collection method: clinical testing. Allele origin: germline.
Comment: This sequence change replaces isoleucine, which is neutral and non-polar, with leucine, which is neutral and non-polar, at codon 14 of the NDUFA12 protein (p.Ile14Leu). In summary, the available evidence is currently insufficient to determine the role of this variant in disease. Therefore, it has been classified as a Variant of Uncertain Significance. Algorithms developed to predict the effect of missense changes on protein structure and function output the following: SIFT: "Tolerated"; PolyPhen-2: "Benign"; Align-GVGD: "Class C0". The leucine amino acid residue is found in multiple mammalian species, which suggests that this missense change does not adversely affect protein function. This variant has not been reported in the literature in individuals affected with NDUFA12-related conditions. This variant is present in population databases (rs766620870, gnomAD 0.002%).